The following is an entry in ClinVar:

ClinVar aggregate classification (germline): Uncertain significance. Review status: criteria provided, multiple submitters, no conflicts (2 of 4 stars). 2 submissions from 2 submitters: Uncertain significance (2). Last evaluated 2022-10-03.

Conditions:
Peutz-Jeghers syndrome (PJS). Also called: Peutz-Jeghers polyposis; Periorificial lentiginosis syndrome; POLYPOSIS, HAMARTOMATOUS INTESTINAL; POLYPS-AND-SPOTS SYNDROME. Identifiers: Orphanet 2869, MedGen C0031269, MeSH D010580, MONDO:0008280, OMIM 175200.

Allele frequency attached by ClinVar (database versions not stated): gnomAD exomes below 0.00001.
gnomAD v4.1: 1 of 1,587,320 alleles (0.000063%); highest among the groups gnomAD compares: Non-Finnish European, 0.000086%; no homozygotes.

Submissions (2):

Labcorp Genetics (formerly Invitae), Labcorp
Classification: Uncertain significance for Peutz-Jeghers syndrome. Last evaluated: 2022-10-03. Review status: criteria provided, single submitter. Criteria: Invitae Variant Classification Sherloc (09022015). Collection method: clinical testing. Allele origin: germline.
Comment: In summary, the available evidence is currently insufficient to determine the role of this variant in disease. Therefore, it has been classified as a Variant of Uncertain Significance. Algorithms developed to predict the effect of sequence changes on RNA splicing suggest that this variant may create or strengthen a splice site. Algorithms developed to predict the effect of missense changes on protein structure and function (SIFT, PolyPhen-2, Align-GVGD) all suggest that this variant is likely to be tolerated. This variant has not been reported in the literature in individuals affected with STK11-related conditions. This variant is not present in population databases (gnomAD no frequency). This sequence change replaces valine, which is neutral and non-polar, with leucine, which is neutral and non-polar, at codon 128 of the STK11 protein (p.Val128Leu).

GeneDx
Classification: Uncertain significance. Last evaluated: 2022-03-17. Review status: criteria provided, single submitter. Criteria: GeneDx Variant Classification Process June 2021. Collection method: clinical testing. Allele origin: germline. Affected: yes.
Comment: Has not been previously published as pathogenic or benign to our knowledge; Not observed at significant frequency in large population cohorts (gnomAD); In silico analysis supports that this missense variant does not alter protein structure/function; In-silico analysis is inconclusive as to whether the variant alters gene splicing. In the absence of RNA/functional studies, the actual effect of this sequence change is unknown.; This variant is associated with the following publications: (PMID: 15863673)

NM_000455.5(STK11):c.382G>C (p.Val128Leu)

Gene: STK11 (serine/threonine kinase 11; plus strand). Cytogenetic location: 19p13.3.
Variant type: single nucleotide variant.
Coding change: c.382G>C on transcript NM_000455.5 (MANE Select); coding-DNA position 382, G replaced by C.
Protein change: p.Val128Leu; replaces valine 128 with leucine.
Molecular consequence: missense variant.
Genome position (GRCh38, 1-based): chr19:1,219,331, G>C. VCF-style: chr19-1219331-G-C. GRCh37 (hg19) VCF-style: chr19-1219330-G-C.
Other names: c.382G>C, p.Val128Leu (NM_001407255.1); short protein forms V128L.
Identifiers: ClinVar variation 1706116 (VCV001706116.7), dbSNP rs918009872, ClinGen allele CA304024808.